The following is an entry in ClinVar:

ClinVar aggregate classification (germline): Uncertain significance (1 of 4 stars; one submission).

gnomAD v4.1: 18 of 1,610,698 alleles (0.0011%); highest among the groups gnomAD compares: Non-Finnish European, 0.0015%; no homozygotes.

Submission:

Labcorp Genetics (formerly Invitae), Labcorp
Classification: Uncertain significance. Last evaluated: 2025-10-02. Review status: criteria provided, single submitter. Criteria: Invitae Variant Classification Sherloc (09022015). Collection method: clinical testing. Allele origin: germline.
Comment: This sequence change replaces glycine, which is neutral and non-polar, with cysteine, which is neutral and slightly polar, at codon 1395 of the CDH23 protein (p.Gly1395Cys). This variant is not present in population databases (gnomAD no frequency). This variant has not been reported in the literature in individuals affected with CDH23-related conditions. ClinVar contains an entry for this variant (Variation ID: 3693755). Invitae Evidence Modeling of protein sequence and biophysical properties (such as structural, functional, and spatial information, amino acid conservation, physicochemical variation, residue mobility, and thermodynamic stability) has been performed for this missense variant. However, the output from this modeling did not meet the statistical confidence thresholds required to predict the impact of this variant on CDH23 protein function. In summary, the available evidence is currently insufficient to determine the role of this variant in disease. Therefore, it has been classified as a Variant of Uncertain Significance.

NM_022124.6(CDH23):c.4183G>T (p.Gly1395Cys)

Genes: C10orf105 (chromosome 10 open reading frame 105; minus strand), CDH23 (cadherin related 23; plus strand). Cytogenetic location: 10q22.1.
Variant type: single nucleotide variant.
Coding change: c.4183G>T on transcript NM_022124.6 (MANE Select); coding-DNA position 4183, G replaced by T.
Protein change: p.Gly1395Cys; replaces glycine 1395 with cysteine.
Molecular consequence: missense variant. On other transcripts: intron variant (1).
Genome position (GRCh38, 1-based): chr10:71,734,318, G>T. VCF-style: chr10-71734318-G-T. GRCh37 (hg19) VCF-style: chr10-73494075-G-T.
Other names: c.-6+3410C>A (NM_001168390.2); short protein forms G1395C.
Identifiers: ClinVar variation 3693755 (VCV003693755.2).